The following is an entry in ClinVar:

ClinVar aggregate classification (germline): Uncertain significance (1 of 4 stars; one submission).

Submission:

Ambry Genetics
Classification: Uncertain significance. Last evaluated: 2024-12-29. Review status: criteria provided, single submitter. Criteria: Ambry Variant Classification Scheme 2023. Collection method: clinical testing. Allele origin: germline.
Comment: The p.K803R variant (also known as c.2408A>G), located in coding exon 5 of the CDK12 gene, results from an A to G substitution at nucleotide position 2408. The lysine at codon 803 is replaced by arginine, an amino acid with highly similar properties. This amino acid position is conserved. In addition, this alteration is predicted to be tolerated by in silico analysis. Based on the available evidence, the clinical significance of this variant remains unclear.

NM_016507.4(CDK12):c.2408A>G (p.Lys803Arg)

Gene: CDK12 (cyclin dependent kinase 12; plus strand). Cytogenetic location: 17q12.
Variant type: single nucleotide variant.
Coding change: c.2408A>G on transcript NM_016507.4 (MANE Select); coding-DNA position 2408, A replaced by G.
Protein change: p.Lys803Arg; replaces lysine 803 with arginine.
Molecular consequence: missense variant.
Genome position (GRCh38, 1-based): chr17:39,494,683, A>G. VCF-style: chr17-39494683-A-G. GRCh37 (hg19) VCF-style: chr17-37650936-A-G.
Other names: c.2408A>G, p.Lys803Arg (NM_015083.4); short protein forms K803R.
Identifiers: ClinVar variation 3830424 (VCV003830424.1).
Genomic context (GRCh38, chr17:39,494,683, plus strand): 5'-ACCGAAGTGTTGTTAACATGAAGGAAATTGTCACAGATAAACAAGATGCACTGGATTTCA[A>G]GAAGGACAAAGGTACTAGCAAAGAATCACATTTTTACAGGGTAGACTGGTCCAATCTTTG-3'
Protein context (NP_057591.2, residues 793-813): VTDKQDALDF[Lys803Arg]KDKGAFYLVF